The following is an entry in ClinVar:

ClinVar aggregate classification (germline): Uncertain significance (1 of 4 stars; one submission).

Conditions:
Factor H deficiency (CFHD). Also called: COMPLEMENT FACTOR H DEFICIENCY; CFH DEFICIENCY. Identifiers: Orphanet 200421, MedGen C0398777, MONDO:0012350, OMIM 609814.

Submission:

Genomenon, Inc
Classification: Uncertain significance for Factor H deficiency. Last evaluated: 2026-09-17. Review status: criteria provided, single submitter. Criteria: Genomenon Sequence Variant Interpretation Standards - Updated. Collection method: curation. Allele origin: germline. Affected: yes.
Comment: CFH p.Gly122_Glu128del (c.364_384del) is an in-frame deletion that results in the loss of multiple amino acids, from glycine at codon 122 to glutamic acid at codon 128. This variant has been observed in at least one proband affected with complement factor H deficiency (PMID: 22456601). It is absent or not present at a significant frequency in gnomAD. In conclusion, we classify CFH p.Gly122_Glu128del (c.364_384del) as a variant of uncertain significance.

Literature cited by the submitters: PubMed 22456601.

NM_000186.4(CFH):c.364_384del (p.Gly122_Glu128del)

Gene: CFH (complement factor H; plus strand). Cytogenetic location: 1q31.3.
Variant type: Deletion.
Coding change: c.364_384del on transcript NM_000186.4 (MANE Select); coding-DNA positions 364 to 384, 21 bases deleted (GGTGAGATTAATTACCGTGAA).
Protein change: p.Gly122_Glu128del.
Molecular consequence: inframe deletion.
Genome position (GRCh38, 1-based): chr1:196,676,002-196,676,022, GGTGAGATTAATTACCGTGAA deleted; deleting any 21 consecutive bases within chr1:196,676,001-196,676,022 gives the same sequence; the c. name uses the placement nearest the transcript's 3' end. VCF-style (leftmost placement, unchanged base first): chr1-196676000-TAGGTGAGATTAATTACCGTGA-T. GRCh37 (hg19) VCF-style: chr1-196645130-TAGGTGAGATTAATTACCGTGA-T.
Other names: c.364_384del, p.Gly122_Glu128del (NM_001014975.3).
Identifiers: ClinVar variation 4291679 (VCV004291679.2).